The following is an entry in ClinVar:

ClinVar aggregate classification (germline): Uncertain significance (1 of 4 stars; one submission).

Conditions:
Developmental and epileptic encephalopathy, 12 (DEE12). Identifiers: MedGen C3150988, MONDO:0013389, OMIM 613722.

gnomAD v4.1: 6 of 1,614,044 alleles (0.00037%); highest among the groups gnomAD compares: Admixed American, 0.0033%; no homozygotes.

Submission:

Labcorp Genetics (formerly Invitae), Labcorp
Classification: Uncertain significance for Developmental and epileptic encephalopathy, 12. Last evaluated: 2022-06-06. Review status: criteria provided, single submitter. Criteria: Invitae Variant Classification Sherloc (09022015). Collection method: clinical testing. Allele origin: germline.
Comment: In summary, the available evidence is currently insufficient to determine the role of this variant in disease. Therefore, it has been classified as a Variant of Uncertain Significance. Variants that disrupt the consensus splice site are a relatively common cause of aberrant splicing (PMID: 17576681, 9536098). Algorithms developed to predict the effect of sequence changes on RNA splicing suggest that this variant may disrupt the consensus splice site. This variant has not been reported in the literature in individuals affected with PNKP-related conditions. This variant is present in population databases (no rsID available, gnomAD 0.006%). This sequence change falls in intron 13 of the PNKP gene. It does not directly change the encoded amino acid sequence of the PNKP protein. It affects a nucleotide within the consensus splice site.

Literature cited by the submitters: PubMed 17576681; PubMed 9536098.

NM_007254.4(PNKP):c.1188+5G>A

Gene: PNKP (polynucleotide kinase 3'-phosphatase; minus strand). Cytogenetic location: 19q13.33.
Variant type: single nucleotide variant.
Coding change: c.1188+5G>A on transcript NM_007254.4 (MANE Select); 5 bases into the intron after coding-DNA position 1188, G replaced by A.
Molecular consequence: intron variant.
Genome position (GRCh38, 1-based): chr19:49,862,039, C>T on the plus strand (G>A on the coding strand, the complement: PNKP is on the minus strand). VCF-style: chr19-49862039-C-T. GRCh37 (hg19) VCF-style: chr19-50365296-C-T.
Identifiers: ClinVar variation 2189030 (VCV002189030.4), dbSNP rs1168715083, ClinGen allele CA633895255.
Genomic context (GRCh38, chr19:49,862,039, plus strand): 5'-AACCAGTTGAGAGGTGGAGATGGGAACTTTATAATAGATTTGGGGCGGCAAAAGCCTGGT[C>T]ATACCCTGTTCACGTGGACATATCCGGCCGACACGAGGTGCTTCTTGAGAAAGGTGGACT-3'